The following is an entry in ClinVar:

NM_000388.4(CASR):c.1835T>C (p.Phe612Ser)

Gene: CASR (calcium sensing receptor; plus strand). Cytogenetic location: 3q21.1.
Variant type: single nucleotide variant.
Coding change: c.1835T>C on transcript NM_000388.4 (MANE Select); coding-DNA position 1835, T replaced by C.
Protein change: p.Phe612Ser; replaces phenylalanine 612 with serine.
Molecular consequence: missense variant.
Genome position (GRCh38, 1-based): chr3:122,283,789, T>C. VCF-style: chr3-122283789-T-C. GRCh37 (hg19) VCF-style: chr3-122002636-T-C.
Other names: c.1865T>C, p.Phe622Ser (NM_001178065.2); c.1835T>C (NM_000388.3); short protein forms F612S, F622S.
Identifiers: ClinVar variation 8327 (VCV000008327.2), dbSNP rs104893698, ClinGen allele CA119493.
Genomic context (GRCh38, chr3:122,283,789, plus strand): 5'-ATGAGAACCACACCTCCTGCATTGCCAAGGAGATCGAGTTTCTGTCGTGGACGGAGCCCT[T>C]TGGGATCGCACTCACCCTCTTTGCCGTGCTGGGCATTTTCCTGACAGCCTTTGTGCTGGG-3'
Protein context (NP_000379.3, residues 602-622): EIEFLSWTEP[Phe612Ser]GIALTLFAVL

ClinVar aggregate classification (germline): Likely pathogenic. Review status: criteria provided, single submitter (1 of 4 stars). 2 submissions from 2 submitters: Likely pathogenic (1). 1 of the submissions does not count toward it. Last evaluated 2024-01-12.

Conditions:
Autosomal dominant hypocalcemia 1 (HYPOC1). Also called: HYPOCALCEMIA, FAMILIAL. Identifiers: MedGen C3715128, MONDO:0011013, OMIM 601198.
Nephrolithiasis/nephrocalcinosis. Identifiers: MedGen CN580796.

Submissions (2):

Ambry Genetics
Classification: Likely pathogenic for Nephrolithiasis/nephrocalcinosis. Last evaluated: 2024-01-12. Review status: criteria provided, single submitter. Criteria: Ambry Variant Classification Scheme 2023. Collection method: clinical testing. Allele origin: germline.
Comment: The c.1835T>C (p.F612S) alteration is located in exon 7 (coding exon 6) of the CASR gene. This alteration results from a T to C substitution at nucleotide position 1835, causing the phenylalanine (F) at amino acid position 612 to be replaced by a serine (S). Based on the available evidence, the CASR c.1835T>C (p.F612S) alteration is classified as likely pathogenic for autosomal dominant CASR-related hypocalcemia; however, it is unlikely to be causative of autosomal recessive neonatal hyperparathyroidism and autosomal dominant hypocalciuric hypercalcemia. This variant was not reported in population-based cohorts in the Genome Aggregation Database (gnomAD). This variant has been reported in multiple individuals with clinical features of CASR-related hypocalcemia and cosegregates with disease in two families (Mancilla, 1997; Pearce, 1996). This amino acid position is highly conserved in available vertebrate species. Functional studies indicate this alteration increases sensitivity to extracellular calcium (Mancilla, 1997; Leach, 2012; Hauache, 2000). This alteration is predicted to be deleterious by in silico analysis. Based on the available evidence, this alteration is classified as likely pathogenic.

OMIM
Classification: Pathogenic for HYPOCALCEMIA, AUTOSOMAL DOMINANT 1. Last evaluated: 1996-10-10. Review status: no assertion criteria provided. Collection method: literature only. Allele origin: germline. Not counted in ClinVar's aggregate classification.

Literature cited by the submitters: PubMed 8813042 (cited by Ambry Genetics and OMIM); PubMed 9380434 (cited by Ambry Genetics); PubMed 11089548 (cited by Ambry Genetics); PubMed 22798347 (cited by Ambry Genetics).